The following is an entry in ClinVar:

NM_000330.4(RS1):c.619C>A (p.His207Asn)

Genes: CDKL5 (cyclin dependent kinase like 5; plus strand), RS1 (retinoschisin 1; minus strand). Cytogenetic location: Xp22.13.
Variant type: single nucleotide variant.
Coding change: c.619C>A on transcript NM_000330.4 (MANE Select); coding-DNA position 619, C replaced by A.
Protein change: p.His207Asn; replaces histidine 207 with asparagine.
Molecular consequence: missense variant. On other transcripts: intron variant (2).
Genome position (GRCh38, 1-based): chrX:18,642,060, G>T on the plus strand (C>A on the coding strand, the complement: RS1 is on the minus strand). VCF-style: chrX-18642060-G-T. GRCh37 (hg19) VCF-style: chrX-18660180-G-T.
Other names: c.2714-3947G>T (NM_003159.3, NM_001037343.2); short protein forms H207N.
Identifiers: ClinVar variation 2775673 (VCV002775673.3), dbSNP rs2147188931, ClinGen allele CA412370220.

ClinVar aggregate classification (germline): Likely pathogenic (1 of 4 stars; one submission).

Allele frequency attached by ClinVar (database versions not stated): gnomAD exomes below 0.00001.
gnomAD v4.1: 1 of 1,211,631 alleles (0.000083%); highest among the groups gnomAD compares: South Asian, 0.0018%; no homozygotes.

Submission:

Labcorp Genetics (formerly Invitae), Labcorp
Classification: Likely pathogenic. Last evaluated: 2024-02-14. Review status: criteria provided, single submitter. Criteria: Invitae Variant Classification Sherloc (09022015). Collection method: clinical testing. Allele origin: germline.
Comment: This sequence change replaces histidine, which is basic and polar, with asparagine, which is neutral and polar, at codon 207 of the RS1 protein (p.His207Asn). This variant is not present in population databases (gnomAD no frequency). This variant has not been reported in the literature in individuals affected with RS1-related conditions. Advanced modeling of protein sequence and biophysical properties (such as structural, functional, and spatial information, amino acid conservation, physicochemical variation, residue mobility, and thermodynamic stability) performed at Invitae indicates that this missense variant is expected to disrupt RS1 protein function with a positive predictive value of 95%. This variant disrupts the p.His207 amino acid residue in RS1. Other variant(s) that disrupt this residue have been determined to be pathogenic (PMID: 19324861, 28848025; Invitae). This suggests that this residue is clinically significant, and that variants that disrupt this residue are likely to be disease-causing. In summary, the currently available evidence indicates that the variant is pathogenic, but additional data are needed to prove that conclusively. Therefore, this variant has been classified as Likely Pathogenic.

Literature cited by the submitters: PubMed 19324861; PubMed 28848025.